The following is an entry in ClinVar:

NM_000179.3(MSH6):c.3439-8A>C

Gene: MSH6 (mutS homolog 6; plus strand). Cytogenetic location: 2p16.3.
Variant type: single nucleotide variant.
Coding change: c.3439-8A>C on transcript NM_000179.3 (MANE Select); 8 bases into the intron before coding-DNA position 3439, A replaced by C.
Molecular consequence: intron variant.
Genome position (GRCh38, 1-based): chr2:47,804,902, A>C. VCF-style: chr2-47804902-A-C. GRCh37 (hg19) VCF-style: chr2-48032041-A-C.
Other names: c.3439-8A>C (NM_001406809.1, NM_001406796.1, NM_001406808.1 and 1 more transcripts); c.2533-8A>C (NM_001406811.1, NM_001406814.1, NM_001281493.2 and 6 more transcripts); c.3142-8A>C (NM_001406805.1, NM_001406797.1, NM_001406801.1 and 10 more transcripts); c.3535-8A>C (NM_001406795.1, NM_001406802.1); c.3445-8A>C (NM_001406813.1); c.2914-8A>C (NM_001406807.1, NM_001406799.1, NM_001406806.1); c.3265-8A>C (NM_001406798.1); c.2575-8A>C (NM_001406803.1); and 7 more.
Identifiers: ClinVar variation 3904057 (VCV003904057.1).

ClinVar aggregate classification (germline): Likely benign (1 of 4 stars; one submission).

Conditions:
Lynch syndrome 5 (LYNCH5). Also called: Colorectal cancer, hereditary nonpolyposis, type 5; Hereditary non-polyposis colorectal cancer, type 5. Identifiers: Orphanet 144, MedGen C1833477, MONDO:0013710, OMIM 614350. Disease mechanism: loss of function.

Submission:

Myriad Genetics, Inc.
Classification: Likely benign for Lynch syndrome 5. Last evaluated: 2025-01-07. Review status: criteria provided, single submitter. Criteria: Myriad Autosomal Dominant, Autosomal Recessive and X-Linked Classification Criteria (2023). Collection method: clinical testing. Allele origin: unknown.
Comment: This variant is considered likely benign. This variant is intronic and is not expected to impact mRNA splicing.